The following is an entry in ClinVar:

NM_001303052.2(MYT1L):c.1996C>T (p.Gln666Ter)

Gene: MYT1L (myelin transcription factor 1 like; minus strand). Cytogenetic location: 2p25.3.
Variant type: single nucleotide variant.
Coding change: c.1996C>T on transcript NM_001303052.2 (MANE Select); coding-DNA position 1996, C replaced by T.
Protein change: p.Gln666Ter; replaces glutamine 666 with a stop codon.
Molecular consequence: nonsense.
Genome position (GRCh38, 1-based): chr2:1,903,116, G>A on the plus strand (C>T on the coding strand, the complement: MYT1L is on the minus strand). VCF-style: chr2-1903116-G-A. GRCh37 (hg19) VCF-style: chr2-1906888-G-A.
Other names: c.1996C>T, p.Gln666Ter (NM_001329844.2, NM_001329845.1, NM_001329851.3); c.1990C>T, p.Gln664Ter (NM_001329846.3, NM_001329847.2, NM_001329848.1 and 3 more transcripts); short protein forms Q664*, Q666*.
Identifiers: ClinVar variation 2572327 (VCV002572327.1), dbSNP rs2550814217, ClinGen allele CA345698409.

ClinVar aggregate classification (germline): Pathogenic (1 of 4 stars; one submission).

Conditions:
Intellectual developmental disorder, autosomal dominant 39. Also called: Mental retardation, autosomal dominant 39; Intellectual disability, autosomal dominant 39. Identifiers: MedGen C4225296, MONDO:0014678, OMIM 616521.

Submission:

Greenwood Genetic Center Diagnostic Laboratories, Greenwood Genetic Center
Classification: Pathogenic for Intellectual developmental disorder, autosomal dominant 39. Last evaluated: 2023-04-13. Review status: criteria provided, single submitter. Criteria: ACMG Guidelines, 2015. Collection method: clinical testing. Allele origin: germline. Affected: yes.
Comment: PVS1, PS2, PM2, PM6